The following is an entry in ClinVar:

NM_153240.5(NPHP3):c.393G>C (p.Gln131His)

Genes: NPHP3 (nephrocystin 3; minus strand), NPHP3-ACAD11 (NPHP3-ACAD11 readthrough (NMD candidate); minus strand), NPHP3-AS1 (NPHP3 antisense RNA 1; plus strand). Cytogenetic location: 3q22.1.
Variant type: single nucleotide variant.
Coding change: c.393G>C on transcript NM_153240.5 (MANE Select); coding-DNA position 393, G replaced by C.
Protein change: p.Gln131His; replaces glutamine 131 with histidine.
Molecular consequence: missense variant. On other transcripts: non-coding transcript variant (3).
Genome position (GRCh38, 1-based): chr3:132,721,963, C>G on the plus strand (G>C on the coding strand, the complement: NPHP3 is on the minus strand). VCF-style: chr3-132721963-C-G. GRCh37 (hg19) VCF-style: chr3-132440807-C-G.
Other names: short protein forms Q131H.
Identifiers: ClinVar variation 938932 (VCV000938932.10), dbSNP rs757835884, ClinGen allele CA2622646.

ClinVar aggregate classification (germline): Uncertain significance. Review status: criteria provided, multiple submitters, no conflicts (2 of 4 stars). 3 submissions from 3 submitters: Uncertain significance (3). Last evaluated 2026-07-02.

Conditions:
NPHP3-related Meckel-like syndrome. Also called: Meckel syndrome type 7; GOLDSTON SYNDROME. Identifiers: Orphanet 3032, MedGen C2673885, MONDO:0009966, OMIM 267010.
Nephronophthisis 3 (NPHP3). Also called: Adolescent nephronophthisis. Identifiers: Orphanet 655, MedGen C1858392, MONDO:0011456, OMIM 604387.
Renal-hepatic-pancreatic dysplasia 1 (RHPD1). Identifiers: MedGen C3715199, MONDO:0008833, OMIM 208540.
NPHP3-related disorder. Also called: NPHP3-related disorders; NPHP3-related condition. Identifiers: MedGen CN379163.
Nephronophthisis. Also called: Juvenile Nephronophthisis. Identifiers: Orphanet 655, MedGen C0687120, MONDO:0019005, HP:0000090.

Allele frequency attached by ClinVar (database versions not stated): gnomAD exomes below 0.00001 and 0.00001; TOPMed 0.00002; ExAC 0.00003; gnomAD 0.00006.
gnomAD v4.1: 11 of 1,612,442 alleles (0.00068%); highest among the groups gnomAD compares: African/African-American, 0.012%; no homozygotes.

Submissions (3):

PreventionGenetics, part of Exact Sciences
Classification: Uncertain significance for NPHP3-related condition. Last evaluated: 2026-07-02. Review status: criteria provided, single submitter. Criteria: ACMG Guidelines, 2015. Collection method: clinical testing. Allele origin: germline.
Comment: The NPHP3 c.393G>C variant is predicted to result in the amino acid substitution p.Gln131His. To our knowledge, this variant has not been reported in the literature. This variant is reported in 0.012% of alleles in individuals of African descent in gnomAD. At this time, the clinical significance of this variant is uncertain due to the absence of conclusive functional and genetic evidence.

Labcorp Genetics (formerly Invitae), Labcorp
Classification: Uncertain significance for Nephronophthisis. Last evaluated: 2024-02-24. Review status: criteria provided, single submitter. Criteria: Invitae Variant Classification Sherloc (09022015). Collection method: clinical testing. Allele origin: germline.
Comment: This sequence change replaces glutamine, which is neutral and polar, with histidine, which is basic and polar, at codon 131 of the NPHP3 protein (p.Gln131His). This variant also falls at the last nucleotide of exon 1, which is part of the consensus splice site for this exon. This variant is present in population databases (rs757835884, gnomAD 0.02%). This missense change has been observed in individual(s) with clinical features of nephronophthisis (Invitae). In at least one individual the data is consistent with being in trans (on the opposite chromosome) from a pathogenic variant. ClinVar contains an entry for this variant (Variation ID: 938932). An algorithm developed to predict the effect of missense changes on protein structure and function (PolyPhen-2) suggests that this variant is likely to be disruptive. Variants that disrupt the consensus splice site are a relatively common cause of aberrant splicing (PMID: 17576681, 9536098). Algorithms developed to predict the effect of sequence changes on RNA splicing suggest that this variant may disrupt the consensus splice site. In summary, the available evidence is currently insufficient to determine the role of this variant in disease. Therefore, it has been classified as a Variant of Uncertain Significance.

Fulgent Genetics
Classification: Uncertain significance for Renal-hepatic-pancreatic dysplasia 1; NPHP3-related Meckel-like syndrome; Nephronophthisis 3. Last evaluated: 2024-02-02. Review status: criteria provided, single submitter. Criteria: ACMG Guidelines, 2015. Collection method: clinical testing. Allele origin: germline.

Literature cited by the submitters: PubMed 17576681 (cited by Labcorp Genetics (formerly Invitae), Labcorp); PubMed 9536098 (cited by Labcorp Genetics (formerly Invitae), Labcorp).